The following is an entry in ClinVar:

NM_032242.4(PLXNA1):c.1785C>T (p.Gly595=)

Gene: PLXNA1 (plexin A1; plus strand). Cytogenetic location: 3q21.3.
Variant type: single nucleotide variant.
Coding change: c.1785C>T on transcript NM_032242.4 (MANE Select); coding-DNA position 1785, C replaced by T.
Protein change: p.Gly595=; no amino-acid change (glycine 595 retained).
Molecular consequence: synonymous variant.
Genome position (GRCh38, 1-based): chr3:127,005,131, C>T. VCF-style: chr3-127005131-C-T. GRCh37 (hg19) VCF-style: chr3-126723974-C-T.
Identifiers: ClinVar variation 3038307 (VCV003038307.10), dbSNP rs145552902, ClinGen allele CA2593365.

ClinVar aggregate classification (germline): Likely benign. Review status: criteria provided, single submitter (1 of 4 stars). 2 submissions from 2 submitters: Likely benign (1). 1 of the submissions does not count toward it. Last evaluated 2026-05-01.

Conditions:
PLXNA1-related disorder. Also called: PLXNA1-related condition.

Allele frequency attached by ClinVar (database versions not stated): ExAC 0.00008; ESP Exome Variant Server 0.00008; gnomAD 0.00018; TOPMed 0.00021; gnomAD exomes 0.00022.
gnomAD v4.1: 358 of 1,612,754 alleles (0.022%); highest among the groups gnomAD compares: Middle Eastern, 0.13%; no homozygotes.

Submissions (2):

CeGaT Center for Human Genetics Tuebingen
Classification: Likely benign. Last evaluated: 2026-05-01. Review status: criteria provided, single submitter. Criteria: CeGaT Center For Human Genetics Tuebingen Variant Classification Criteria Version 2. Collection method: clinical testing. Allele origin: germline. Affected: yes. Observed: 2 variant alleles.
Comment: PLXNA1: BP4, BP7

PreventionGenetics, part of Exact Sciences
Classification: Likely benign for PLXNA1-related condition. Last evaluated: 2019-05-04. Review status: no assertion criteria provided. Collection method: clinical testing. Allele origin: germline. Not counted in ClinVar's aggregate classification.
Comment: This variant is classified as likely benign based on ACMG/AMP sequence variant interpretation guidelines (Richards et al. 2015 PMID: 25741868, with internal and published modifications).